The following is an entry in ClinVar:

NM_025114.4(CEP290):c.7305GAA[2] (p.Lys2437del)

Genes: CEP290 (centrosomal protein 290; minus strand), RLIG1 (RNA 5'-phosphate and 3'-OH ligase 1; plus strand). Cytogenetic location: 12q21.32.
Variant type: Microsatellite.
Coding change: c.7305GAA[2] on transcript NM_025114.4 (MANE Select); two copies in a row of the 3-base unit GAA starting at c.7305; the reference has three copies in a row; one copy, 3 bases deleted; also written c.7311_7313del.
Protein change: p.Lys2437del; deletes lysine 2437.
Molecular consequence: inframe deletion. On other transcripts: 3 prime UTR variant (1).
Genome position (GRCh38, 1-based): chr12:88,049,311-88,049,313, TTC deleted on the plus strand (GAA on the coding strand, the reverse complement: CEP290 is on the minus strand); deleting any 3 consecutive bases within chr12:88,049,311-88,049,319 gives the same sequence; the position shown is the placement nearest the transcript's 3' end. VCF-style (leftmost placement, unchanged base first): chr12-88049310-ATTC-A. GRCh37 (hg19) VCF-style: chr12-88443087-ATTC-A.
Other names: c.7311_7313del (NM_025114.4); c.*889TTC[2] (NM_001009894.3); short protein forms K2437del.
Identifiers: ClinVar variation 286991 (VCV000286991.13), dbSNP rs768777116, ClinGen allele CA6711293.

ClinVar aggregate classification (germline): Uncertain significance. Review status: criteria provided, multiple submitters, no conflicts (2 of 4 stars). 5 submissions from 5 submitters: Uncertain significance (5). Last evaluated 2026-03-31.

Conditions:
CEP290-related ciliopathy. Also called: CEP290 ciliopathy. Identifiers: MedGen CN305601, MONDO:0100451.
Meckel-Gruber syndrome. Also called: DYSENCEPHALIA SPLANCHNOCYSTICA; GRUBER SYNDROME; Dysencephalia splachnocystica. Identifiers: Orphanet 564, MedGen C0265215, MONDO:0018921.
Nephronophthisis. Also called: Juvenile Nephronophthisis. Identifiers: Orphanet 655, MedGen C0687120, MONDO:0019005, HP:0000090.
Joubert syndrome. Also called: JOUBERT-BOLTSHAUSER SYNDROME; Familial aplasia of the vermis. Identifiers: Orphanet 475, MedGen C5979921, MONDO:0018772.
Leber congenital amaurosis 10 (LCA10). Identifiers: Orphanet 65, MedGen C1857821, MONDO:0012723, OMIM 611755.
Bardet-Biedl syndrome 14 (BBS14). Identifiers: Orphanet 110, MedGen C2673874, MONDO:0014442, OMIM 615991.
Meckel syndrome, type 4 (MKS4). Also called: MECKEL-GRUBER SYNDROME, TYPE 4. Identifiers: Orphanet 564, MedGen C1970161, MONDO:0012626, OMIM 611134.
Joubert syndrome 5 (JBTS5). Identifiers: Orphanet 2318, MedGen C1857780, MONDO:0012432, OMIM 610188.
Senior-Loken syndrome 6 (SLSN6). Identifiers: Orphanet 3156, MedGen C1857779, MONDO:0012433, OMIM 610189.

Submissions (5):

Myriad Genetics, Inc.
Classification: Uncertain significance for CEP290-related ciliopathy. Last evaluated: 2026-03-31. Review status: criteria provided, single submitter. Criteria: Myriad Autosomal Dominant, Autosomal Recessive and X-Linked Classification Criteria (2023). Collection method: clinical testing. Allele origin: unknown.
Comment: NM_025114.3(CEP290):c.7311_7313delGAA(K2437del) is an in-frame deletion classified as a variant of uncertain significance in the context of CEP290-related disorders. K2437del has been observed in cases with relevant disease (PMID: 35835773, 17617513). Relevant functional assessments of this variant are not available in the literature. K2437del has been observed in referenced population frequency databases. In summary, there is insufficient evidence to classify NM_025114.3(CEP290):c.7311_7313delGAA(K2437del) as pathogenic or benign. Please note: this variant was assessed in the context of healthy population screening.

Blueprint Genetics
Classification: Uncertain significance. Last evaluated: 2024-10-02. Review status: criteria provided, single submitter. Criteria: ACMG Guidelines, 2015. Collection method: clinical testing. Allele origin: germline.

Labcorp Genetics (formerly Invitae), Labcorp
Classification: Uncertain significance for Joubert syndrome; Meckel-Gruber syndrome; Nephronophthisis. Last evaluated: 2023-12-11. Review status: criteria provided, single submitter. Criteria: Invitae Variant Classification Sherloc (09022015). Collection method: clinical testing. Allele origin: germline.
Comment: This variant, c.7311_7313del, results in the deletion of 1 amino acid(s) of the CEP290 protein (p.Lys2437del), but otherwise preserves the integrity of the reading frame. This variant is present in population databases (rs768777116, gnomAD 0.007%). This variant has been observed in individual(s) with CEP290-related conditions (PMID: 17617513, 20690115). Experimental studies and prediction algorithms are not available or were not evaluated, and the functional significance of this variant is currently unknown. In summary, the available evidence is currently insufficient to determine the role of this variant in disease. Therefore, it has been classified as a Variant of Uncertain Significance.

Fulgent Genetics
Classification: Uncertain significance for Joubert syndrome 5; Senior-Loken syndrome 6; Meckel syndrome, type 4; Leber congenital amaurosis 10; Bardet-Biedl syndrome 14. Last evaluated: 2021-12-21. Review status: criteria provided, single submitter. Criteria: ACMG Guidelines, 2015. Collection method: clinical testing. Allele origin: unknown.

Eurofins Ntd Llc (ga)
Classification: Uncertain significance. Last evaluated: 2016-04-07. Review status: criteria provided, single submitter. Criteria: EGL Classification Definitions 2015. Collection method: clinical testing. Allele origin: germline. Observed: 1 variant allele, 1 heterozygote.

Literature cited by the submitters: PubMed 17617513 (cited by Myriad Genetics, Inc. and Labcorp Genetics (formerly Invitae), Labcorp); PubMed 35835773 (cited by Myriad Genetics, Inc.); PubMed 20690115 (cited by Labcorp Genetics (formerly Invitae), Labcorp and Eurofins Ntd Llc (ga)).